The following is an entry in ClinVar:

ClinVar aggregate classification (germline): Uncertain significance (1 of 4 stars; one submission).

Allele frequency attached by ClinVar (database versions not stated): gnomAD exomes below 0.00001; ExAC 0.00001; gnomAD 0.00001; 1000 Genomes Project 30x 0.00016; 1000 Genomes Project 0.00020.
gnomAD v4.1: 2 of 1,611,128 alleles (0.00012%); highest among the groups gnomAD compares: Admixed American, 0.0017%; no homozygotes.

Submission:

Labcorp Genetics (formerly Invitae), Labcorp
Classification: Uncertain significance. Last evaluated: 2022-01-16. Review status: criteria provided, single submitter. Criteria: Invitae Variant Classification Sherloc (09022015). Collection method: clinical testing. Allele origin: germline.
Comment: This sequence change replaces alanine, which is neutral and non-polar, with threonine, which is neutral and polar, at codon 76 of the NSMCE3 protein (p.Ala76Thr). This variant is not present in population databases (gnomAD no frequency). This variant has not been reported in the literature in individuals affected with NSMCE3-related conditions. Algorithms developed to predict the effect of missense changes on protein structure and function output the following: SIFT: "Tolerated"; PolyPhen-2: "Benign"; Align-GVGD: "Class C0". The threonine amino acid residue is found in multiple mammalian species, which suggests that this missense change does not adversely affect protein function. In summary, the available evidence is currently insufficient to determine the role of this variant in disease. Therefore, it has been classified as a Variant of Uncertain Significance.

NM_138704.4(NSMCE3):c.226G>A (p.Ala76Thr)

Genes: ENTREP2 (endosomal transmembrane epsin interactor 2; minus strand), NSMCE3 (NSE3 homolog, SMC5-SMC6 complex component; minus strand). Cytogenetic location: 15q13.1.
Variant type: single nucleotide variant.
Coding change: c.226G>A on transcript NM_138704.4 (MANE Select); coding-DNA position 226, G replaced by A.
Protein change: p.Ala76Thr; replaces alanine 76 with threonine.
Molecular consequence: missense variant. On other transcripts: intron variant (5).
Genome position (GRCh38, 1-based): chr15:29,269,480, C>T on the plus strand (G>A on the coding strand, the complement: NSMCE3 is on the minus strand). VCF-style: chr15-29269480-C-T. GRCh37 (hg19) VCF-style: chr15-29561684-C-T.
Other names: c.-12-17002G>A (NM_001387217.1, NM_001387215.1, NM_001387216.1); c.277-17002G>A (NM_001387214.1, NM_015307.2); short protein forms A76T.
Identifiers: ClinVar variation 1923183 (VCV001923183.2), dbSNP rs201817511, ClinGen allele CA7446191.
Genomic context (GRCh38, chr15:29,269,480, plus strand): 5'-AGAACTGCACCAGCTCGGACACTTTCAGCTCCAGCTGCTTCTGGCTCCTGGGCCCCACGG[C>T]GGGGGCGGCCTGGGCCCGGCGGGCGCCCTGAGGCGAGGGGCCCTGCGACCCCTGCGAGCC-3'
Protein context (NP_619649.1, residues 66-86): QGARRAQAAP[Ala76Thr]VGPRSQKQLE